The following is an entry in ClinVar:

ClinVar aggregate classification (germline): Likely benign (0 of 4 stars; one submission).

Conditions:
SEMA3C-related disorder. Also called: SEMA3C-related condition.

gnomAD v4.1: 1 of 1,552,056 alleles (0.000064%); highest among the groups gnomAD compares: Non-Finnish European, 0.000087%; no homozygotes.

Submission:

PreventionGenetics, part of Exact Sciences
Classification: Likely benign for SEMA3C-related condition. Last evaluated: 2021-08-23. Review status: no assertion criteria provided. Collection method: clinical testing. Allele origin: germline.
Comment: This variant is classified as likely benign based on ACMG/AMP sequence variant interpretation guidelines (Richards et al. 2015 PMID: 25741868, with internal and published modifications).

NM_006379.5(SEMA3C):c.1132-9T>C

Gene: SEMA3C (semaphorin 3C; minus strand). Cytogenetic location: 7q21.11.
Variant type: single nucleotide variant.
Coding change: c.1132-9T>C on transcript NM_006379.5 (MANE Select); 9 bases into the intron before coding-DNA position 1132, T replaced by C.
Molecular consequence: intron variant.
Genome position (GRCh38, 1-based): chr7:80,789,537, A>G on the plus strand (T>C on the coding strand, the complement: SEMA3C is on the minus strand). VCF-style: chr7-80789537-A-G. GRCh37 (hg19) VCF-style: chr7-80418853-A-G.
Other names: c.1186-9T>C (NM_001350120.2); c.958-9T>C (NM_001350121.2).
Identifiers: ClinVar variation 3355341 (VCV003355341.1).
Genomic context (GRCh38, chr7:80,789,537, plus strand): 5'-CTGGGAACTCCTTGGTGGTTCGCATATTGGGTGTAAATGCTCCTCCTGGACACTAGAAAG[A>G]AAGTTTTAAAGAACCAAGTTAATAAAATAGTTGTCTTGTTCTAGTAATAATCAAAAACTC-3'